The following is an entry in ClinVar:

NM_007126.5(VCP):c.2221C>T (p.Arg741Cys)

Gene: VCP (valosin containing protein; minus strand). Cytogenetic location: 9p13.3.
Variant type: single nucleotide variant.
Coding change: c.2221C>T on transcript NM_007126.5 (MANE Select); coding-DNA position 2221, C replaced by T.
Protein change: p.Arg741Cys; replaces arginine 741 with cysteine.
Molecular consequence: missense variant.
Genome position (GRCh38, 1-based): chr9:35,057,470, G>A on the plus strand (C>T on the coding strand, the complement: VCP is on the minus strand). VCF-style: chr9-35057470-G-A. GRCh37 (hg19) VCF-style: chr9-35057467-G-A.
Other names: c.2086C>T, p.Arg696Cys (NM_001354927.2, NM_001354928.2); short protein forms R696C, R741C.
Identifiers: ClinVar variation 2169829 (VCV002169829.5), dbSNP rs764036918, ClinGen allele CA5039095.

ClinVar aggregate classification (germline): Uncertain significance. Review status: criteria provided, multiple submitters, no conflicts (2 of 4 stars). 2 submissions from 2 submitters: Uncertain significance (2). Last evaluated 2025-08-26.

Conditions:
Frontotemporal dementia and/or amyotrophic lateral sclerosis 6 (FTDALS6). Also called: VCP-Related Amyotrophic Lateral Sclerosis; VCP-Related Amyotrophic Lateral Sclerosis/Frontotemporal Dementia. Identifiers: Orphanet 275872, Orphanet 803, MedGen C5436279, MONDO:0013501, OMIM 613954.
Inclusion body myopathy with Paget disease of bone and frontotemporal dementia. Also called: Inclusion body myopathy with early-onset Paget disease and frontotemporal dementia. Identifiers: Orphanet 52430, MedGen C1833662, MONDO:0000507.

Allele frequency attached by ClinVar (database versions not stated): TOPMed below 0.00001; ExAC 0.00001.
gnomAD v4.1: 8 of 1,614,044 alleles (0.0005%); highest among the groups gnomAD compares: East Asian, 0.0022%; no homozygotes.

Submissions (2):

Labcorp Genetics (formerly Invitae), Labcorp
Classification: Uncertain significance for Inclusion body myopathy with Paget disease of bone and frontotemporal dementia; Frontotemporal dementia and/or amyotrophic lateral sclerosis 6. Last evaluated: 2025-08-26. Review status: criteria provided, single submitter. Criteria: Invitae Variant Classification Sherloc (09022015). Collection method: clinical testing. Allele origin: germline.
Comment: This sequence change replaces arginine, which is basic and polar, with cysteine, which is neutral and slightly polar, at codon 741 of the VCP protein (p.Arg741Cys). This variant is present in population databases (rs764036918, gnomAD 0.003%). This missense change has been observed in individual(s) with amyotrophic lateral sclerosis (PMID: 35896380). ClinVar contains an entry for this variant (Variation ID: 2169829). Invitae Evidence Modeling of protein sequence and biophysical properties (such as structural, functional, and spatial information, amino acid conservation, physicochemical variation, residue mobility, and thermodynamic stability) indicates that this missense variant is not expected to disrupt VCP protein function with a negative predictive value of 80%. In summary, the available evidence is currently insufficient to determine the role of this variant in disease. Therefore, it has been classified as a Variant of Uncertain Significance.

GeneDx
Classification: Uncertain significance. Last evaluated: 2024-07-03. Review status: criteria provided, single submitter. Criteria: GeneDx Variant Classification Process June 2021. Collection method: clinical testing. Allele origin: germline. Affected: yes.
Comment: Previously reported in an individual with ALS, however additional clinical and segregation data were not provided (PMID: 35896380); Not observed at significant frequency in large population cohorts (gnomAD); In silico analysis supports that this missense variant has a deleterious effect on protein structure/function; This variant is associated with the following publications: (PMID: 35896380)

Literature cited by the submitters: PubMed 35896380 (cited by Labcorp Genetics (formerly Invitae), Labcorp).